The following is an entry in ClinVar:

NM_020975.6(RET):c.1828_1833dup (p.Cys611_Phe612insAsnCys)

Gene: RET (ret proto-oncogene; plus strand). Cytogenetic location: 10q11.21.
Variant type: Duplication.
Coding change: c.1828_1833dup on transcript NM_020975.6 (MANE Select); coding-DNA positions 1828 to 1833, 6 bases duplicated (AACTGC; older notation c.1828_1833dupAACTGC).
Protein change: p.Cys611_Phe612insAsnCys.
Molecular consequence: intron variant (on NM_001406785.1). On other transcripts: inframe indel (1).
Genome position (GRCh38, 1-based): chr10:43,113,624-43,113,629, AACTGC duplicated; duplicating any 6 consecutive bases within chr10:43,113,620-43,113,629 gives the same sequence; the c. name uses the placement nearest the transcript's 3' end. VCF-style (leftmost placement, unchanged base first): chr10-43113619-C-CCTGCAA. GRCh37 (hg19) VCF-style: chr10-43609067-C-CCTGCAA.
Other names: c.1066_1071dup, p.Cys357_Phe358insAsnCys (NM_001355216.2); c.1828_1833dup, p.Cys611_Phe612insAsnCys (NM_001406743.1, NM_001406744.1, NM_001406759.1 and 4 more transcripts); c.1699_1704dup, p.Cys568_Phe569insAsnCys (NM_001406761.1, NM_001406762.1, NM_001406764.1 and 1 more transcripts); c.1540_1545dup, p.Cys515_Phe516insAsnCys (NM_001406766.1, NM_001406767.1, NM_001406770.1); c.1432_1437dup, p.Cys479_Phe480insAsnCys (NM_001406769.1, NM_001406772.1); c.1390_1395dup, p.Cys465_Phe466insAsnCys (NM_001406771.1, NM_001406773.1); c.1303_1308dup, p.Cys436_Phe437insAsnCys (NM_001406774.1); c.1102_1107dup, p.Cys369_Phe370insAsnCys (NM_001406775.1, NM_001406776.1, NM_001406777.1 and 1 more transcripts); and 8 more.
Identifiers: ClinVar variation 3432279 (VCV003432279.1).
Genomic context (GRCh38, chr10:43,113,619, plus strand): 5'-GCAGCATTGTTGGGGGACACGAGCCTGGGGAGCCCCGGGGGATTAAAGCTGGCTATGGCA[C>CCTGCAA]CTGCAACTGCTTCCCTGAGGAGGAGAAGTGCTTCTGCGAGCCCGAAGACATCCAGGGTGA-3'

ClinVar aggregate classification (germline): Uncertain significance (1 of 4 stars; one submission).

Conditions:
Hereditary cancer-predisposing syndrome. Also called: Neoplastic Syndromes, Hereditary; Tumor predisposition; Hereditary Cancer Syndrome; Hereditary neoplastic syndrome. Identifiers: Orphanet 140162, MedGen C0027672, MeSH D009386, MONDO:0015356.

Submission:

Ambry Genetics
Classification: Uncertain significance for Hereditary cancer-predisposing syndrome. Last evaluated: 2024-10-26. Review status: criteria provided, single submitter. Criteria: Ambry Variant Classification Scheme 2023. Collection method: clinical testing. Allele origin: germline.
Comment: The c.1828_1833dupAACTGC variant (also known as p.N610_C611dup), located in coding exon 10 of the RET gene, results from an in-frame duplication of AACTGC at nucleotide positions 1828 to 1833. This results in the duplication of 2 extra residues (NC) between codons 610 and 611. These amino acid positions are conserved in available vertebrate species. In addition, this alteration is predicted to be neutral by in silico analysis (Choi Y et al. PLoS ONE. 2012; 7(10):e46688). Based on the available evidence, the clinical significance of this variant remains unclear.